The following is an entry in ClinVar:

ClinVar aggregate classification (germline): Uncertain significance (1 of 4 stars; one submission).

Conditions:
Ehlers-Danlos syndrome, type 4 (EDSVASC). Also called: Ehlers-Danlos syndrome vascular type; Ehlers Danlos syndrome, ecchymotic type; Ehlers Danlos syndrome, arterial type; Ehlers Danlos syndrome, Sack-Barabas type; Ehlers-Danlos Syndrome Type IV. Identifiers: Orphanet 286, MedGen C0268338, MONDO:0017314, OMIM 130050.

Submission:

Labcorp Genetics (formerly Invitae), Labcorp
Classification: Uncertain significance for Ehlers-Danlos syndrome, type 4. Last evaluated: 2025-11-03. Review status: criteria provided, single submitter. Criteria: Invitae Variant Classification Sherloc (09022015). Collection method: clinical testing. Allele origin: germline.
Comment: This sequence change replaces proline, which is neutral and non-polar, with arginine, which is basic and polar, at codon 500 of the COL3A1 protein (p.Pro500Arg). This variant is not present in population databases (gnomAD no frequency). This variant has not been reported in the literature in individuals affected with COL3A1-related conditions. Invitae Evidence Modeling of protein sequence and biophysical properties (such as structural, functional, and spatial information, amino acid conservation, physicochemical variation, residue mobility, and thermodynamic stability) indicates that this missense variant is not expected to disrupt COL3A1 protein function with a negative predictive value of 95%. In summary, the available evidence is currently insufficient to determine the role of this variant in disease. Therefore, it has been classified as a Variant of Uncertain Significance.

NM_000090.4(COL3A1):c.1499C>G (p.Pro500Arg)

Gene: COL3A1 (collagen type III alpha 1 chain; plus strand). Cytogenetic location: 2q32.2.
Variant type: single nucleotide variant.
Coding change: c.1499C>G on transcript NM_000090.4 (MANE Select); coding-DNA position 1499, C replaced by G.
Protein change: p.Pro500Arg; replaces proline 500 with arginine.
Molecular consequence: missense variant.
Genome position (GRCh38, 1-based): chr2:188,995,089, C>G. VCF-style: chr2-188995089-C-G. GRCh37 (hg19) VCF-style: chr2-189859815-C-G.
Other names: short protein forms P500R.
Identifiers: ClinVar variation 4696219 (VCV004696219.1).